The following is an entry in ClinVar:

ClinVar aggregate classification (germline): Uncertain significance (1 of 4 stars; one submission).

Conditions:
Cardiovascular phenotype. Identifiers: MedGen CN230736.

Allele frequency attached by ClinVar (database versions not stated): TOPMed below 0.00001.

Submission:

Ambry Genetics
Classification: Uncertain significance for Cardiovascular phenotype. Last evaluated: 2023-02-20. Review status: criteria provided, single submitter. Criteria: Ambry Variant Classification Scheme 2023. Collection method: clinical testing. Allele origin: germline.
Comment: The p.Q496L variant (also known as c.1487A>T), located in coding exon 5 of the RBM20 gene, results from an A to T substitution at nucleotide position 1487. The glutamine at codon 496 is replaced by leucine, an amino acid with dissimilar properties. This amino acid position is conserved. In addition, the in silico prediction for this alteration is inconclusive. Since supporting evidence is limited at this time, the clinical significance of this alteration remains unclear.

NM_001134363.3(RBM20):c.1487A>T (p.Gln496Leu)

Gene: RBM20 (RNA binding motif protein 20; plus strand). Cytogenetic location: 10q25.2.
Variant type: single nucleotide variant.
Coding change: c.1487A>T on transcript NM_001134363.3 (MANE Select); coding-DNA position 1487, A replaced by T.
Protein change: p.Gln496Leu; replaces glutamine 496 with leucine.
Molecular consequence: missense variant.
Genome position (GRCh38, 1-based): chr10:110,784,849, A>T. VCF-style: chr10-110784849-A-T. GRCh37 (hg19) VCF-style: chr10-112544607-A-T.
Other names: short protein forms Q496L.
Identifiers: ClinVar variation 2449400 (VCV002449400.2), dbSNP rs1844400627, ClinGen allele CA378388476.
Genomic context (GRCh38, chr10:110,784,849, plus strand): 5'-TAGATTATGCCTCAAATCTTGGAACATCATACGTGCCCATTCCAGCAAGGTCATTCACTC[A>T]GTCAAGCCCCACATTTCCTTTGGCTTCTGTGGGGACAACTGTGAGTACGGAAACATTTTC-3'
Protein context (NP_001127835.2, residues 486-506): YVPIPARSFT[Gln496Leu]SSPTFPLASV